The following is an entry in ClinVar:

ClinVar aggregate classification (germline): Uncertain significance (1 of 4 stars; one submission).

Submission:

GeneDx
Classification: Uncertain significance. Last evaluated: 2025-09-12. Review status: criteria provided, single submitter. Criteria: GeneDx Variant Classification Process June 2021. Collection method: clinical testing. Allele origin: germline. Affected: yes.
Comment: Not observed at significant frequency in large population cohorts (gnomAD); Has not been previously published as pathogenic or benign to our knowledge; In silico analysis is inconclusive as to whether the variant alters gene splicing. In the absence of RNA/functional studies, the actual effect of this sequence change is unknown.

NM_020987.5(ANK3):c.2383-7_2383-2dup

Gene: ANK3 (ankyrin 3; minus strand). Cytogenetic location: 10q21.2.
Variant type: Duplication.
Coding change: c.2383-7_2383-2dup on transcript NM_020987.5 (MANE Select); 7 bases into the intron before coding-DNA position 2383 through the canonical splice acceptor site of the intron before coding-DNA position 2383, 6 bases duplicated (TTGCCA; older notation c.2383-7_2383-2dupTTGCCA).
Molecular consequence: splice acceptor variant.
Genome position (GRCh38, 1-based): chr10:60,172,405-60,172,410, TGGCAA duplicated on the plus strand (TTGCCA on the coding strand, the reverse complement: ANK3 is on the minus strand). VCF-style (leftmost placement, unchanged base first): chr10-60172404-C-CTGGCAA. GRCh37 (hg19) VCF-style: chr10-61932162-C-CTGGCAA.
Other names: c.2365-7_2365-2dup (NM_001204403.2); c.2332-7_2332-2dup (NM_001204404.2); c.2383-7_2383-2dup (NM_001320874.2).
Identifiers: ClinVar variation 4813386 (VCV004813386.1).